The following is an entry in ClinVar:

NM_006206.6(PDGFRA):c.2350G>T (p.Asp784Tyr)

Gene: PDGFRA (platelet derived growth factor receptor alpha; plus strand). Cytogenetic location: 4q12.
Variant type: single nucleotide variant.
Coding change: c.2350G>T on transcript NM_006206.6 (MANE Select); coding-DNA position 2350, G replaced by T.
Protein change: p.Asp784Tyr; replaces aspartic acid 784 with tyrosine.
Molecular consequence: missense variant.
Genome position (GRCh38, 1-based): chr4:54,285,397, G>T. VCF-style: chr4-54285397-G-T. GRCh37 (hg19) VCF-style: chr4-55151564-G-T.
Other names: c.2425G>T, p.Asp809Tyr (NM_001347828.2); c.2350G>T, p.Asp784Tyr (NM_001347829.2); c.2389G>T, p.Asp797Tyr (NM_001347830.2); short protein forms D784Y, D809Y, D797Y.
Identifiers: ClinVar variation 459054 (VCV000459054.14), dbSNP rs1553905962, ClinGen allele CA356894634.

ClinVar aggregate classification (germline): Uncertain significance. Review status: criteria provided, multiple submitters, no conflicts (2 of 4 stars). 2 submissions from 2 submitters: Uncertain significance (2). Last evaluated 2026-01-11.

Conditions:
Gastrointestinal stromal tumor. Also called: Gastrointestinal stroma tumor; Gastrointestinal stromal tumor, somatic. Identifiers: Orphanet 44890, MedGen C0238198, MeSH D046152, MONDO:0011719, OMIM 606764, HP:0100723.
Hereditary cancer-predisposing syndrome. Also called: Tumor predisposition; Hereditary neoplastic syndrome; Neoplastic Syndromes, Hereditary; Hereditary Cancer Syndrome. Identifiers: Orphanet 140162, MedGen C0027672, MeSH D009386, MONDO:0015356.

Allele frequency attached by ClinVar (database versions not stated): gnomAD exomes below 0.00001; TOPMed below 0.00001.
gnomAD v4.1: 2 of 1,519,674 alleles (0.00013%); highest among the groups gnomAD compares: South Asian, 0.0022%; no homozygotes.

Submissions (2):

Labcorp Genetics (formerly Invitae), Labcorp
Classification: Uncertain significance for Gastrointestinal stromal tumor. Last evaluated: 2026-01-11. Review status: criteria provided, single submitter. Criteria: Invitae Variant Classification Sherloc (09022015). Collection method: clinical testing. Allele origin: germline.
Comment: This sequence change replaces aspartic acid, which is acidic and polar, with tyrosine, which is neutral and polar, at codon 784 of the PDGFRA protein (p.Asp784Tyr). This variant is not present in population databases (gnomAD no frequency). This variant has not been reported in the literature in individuals affected with PDGFRA-related conditions. ClinVar contains an entry for this variant (Variation ID: 459054). Invitae Evidence Modeling of protein sequence and biophysical properties (such as structural, functional, and spatial information, amino acid conservation, physicochemical variation, residue mobility, and thermodynamic stability) has been performed for this missense variant. However, the output from this modeling did not meet the statistical confidence thresholds required to predict the impact of this variant on PDGFRA protein function. In summary, the available evidence is currently insufficient to determine the role of this variant in disease. Therefore, it has been classified as a Variant of Uncertain Significance.

Ambry Genetics
Classification: Uncertain significance for Hereditary cancer-predisposing syndrome. Last evaluated: 2025-05-19. Review status: criteria provided, single submitter. Criteria: Ambry Variant Classification Scheme 2023. Collection method: clinical testing. Allele origin: germline.
Comment: The p.D784Y variant (also known as c.2350G>T), located in coding exon 16 of the PDGFRA gene, results from a G to T substitution at nucleotide position 2350. The aspartic acid at codon 784 is replaced by tyrosine, an amino acid with highly dissimilar properties. This amino acid position is conserved. In addition, this alteration is predicted to be deleterious by in silico analysis. Since supporting evidence is limited at this time, the clinical significance of this alteration remains unclear.